The following is an entry in ClinVar:

ClinVar aggregate classification (germline): Uncertain significance (1 of 4 stars; one submission).

Submission:

Labcorp Genetics (formerly Invitae), Labcorp
Classification: Uncertain significance. Last evaluated: 2024-08-20. Review status: criteria provided, single submitter. Criteria: Invitae Variant Classification Sherloc (09022015). Collection method: clinical testing. Allele origin: germline.
Comment: This sequence change replaces glycine, which is neutral and non-polar, with arginine, which is basic and polar, at codon 123 of the CDH23 protein (p.Gly123Arg). Information on the frequency of this variant in the gnomAD database is not available, as this variant may be reported differently in the database. This variant has not been reported in the literature in individuals affected with CDH23-related conditions. ClinVar contains an entry for this variant (Variation ID: 1380876). Experimental studies and prediction algorithms are not available or were not evaluated, and the functional significance of this variant is currently unknown. In summary, the available evidence is currently insufficient to determine the role of this variant in disease. Therefore, it has been classified as a Variant of Uncertain Significance.

NM_022124.6(CDH23):c.366_367inv (p.Gly123Arg)

Genes: CDH23 (cadherin related 23; plus strand), CDH23-AS1 (CDH23 antisense RNA 1; minus strand). Cytogenetic location: 10q22.1.
Variant type: Inversion.
Coding change: c.366_367inv on transcript NM_022124.6 (MANE Select).
Protein change: p.Gly123Arg; replaces glycine 123 with arginine.
Molecular consequence: missense variant.
Genome position: GRCh38 VCF-style: chr10-71511149-TG-CA. GRCh37 (hg19) VCF-style: chr10-73270906-TG-CA.
Other names: c.366_367inv, p.Gly123Arg (NM_001171930.2, NM_001171931.2, NM_001171932.2 and 1 more transcripts); short protein forms G123R.
Identifiers: ClinVar variation 1380876 (VCV001380876.5), ClinGen allele CA2573145354.